The following is an entry in ClinVar:

ClinVar aggregate classification (germline): Uncertain significance (1 of 4 stars; one submission).

Submission:

Labcorp Genetics (formerly Invitae), Labcorp
Classification: Uncertain significance. Last evaluated: 2022-05-27. Review status: criteria provided, single submitter. Criteria: Invitae Variant Classification Sherloc (09022015). Collection method: clinical testing. Allele origin: germline.
Comment: Algorithms developed to predict the effect of missense changes on protein structure and function (SIFT, PolyPhen-2, Align-GVGD) all suggest that this variant is likely to be tolerated. In summary, the available evidence is currently insufficient to determine the role of this variant in disease. Therefore, it has been classified as a Variant of Uncertain Significance. This variant has not been reported in the literature in individuals affected with TRMT5-related conditions. This variant is not present in population databases (gnomAD no frequency). This sequence change replaces glutamic acid, which is acidic and polar, with glycine, which is neutral and non-polar, at codon 104 of the TRMT5 protein (p.Glu104Gly).

NM_020810.3(TRMT5):c.311A>G (p.Glu104Gly)

Gene: TRMT5 (tRNA methyltransferase 5; minus strand). Cytogenetic location: 14q23.1.
Variant type: single nucleotide variant.
Coding change: c.311A>G on transcript NM_020810.3 (MANE Select); coding-DNA position 311, A replaced by G.
Protein change: p.Glu104Gly; replaces glutamic acid 104 with glycine.
Molecular consequence: missense variant.
Genome position (GRCh38, 1-based): chr14:60,979,587, T>C on the plus strand (A>G on the coding strand, the complement: TRMT5 is on the minus strand). VCF-style: chr14-60979587-T-C. GRCh37 (hg19) VCF-style: chr14-61446305-T-C.
Other names: c.395A>G, p.Glu132Gly (NM_001350253.1); c.392A>G, p.Glu131Gly (NM_001350254.1); short protein forms E104G, E131G, E132G.
Identifiers: ClinVar variation 2079195 (VCV002079195.4), dbSNP rs2502993995, ClinGen allele CA389921192.
Genomic context (GRCh38, chr14:60,979,587, plus strand): 5'-CTTATGCCTGGGCGCTGCAATGCTGCCCTTTTTAGGGATCGCATCAATTTACTGACTATT[T>C]CTTTCCTCACTTTAAGCACTGGAATGTTGACTGTCTTTTTAAAAGCTGTTCTATCAAGTT-3'
Protein context (NP_065861.3, residues 94-114): VNIPVLKVRK[Glu104Gly]IVSKLMRSLK